The following is an entry in ClinVar:

ClinVar aggregate classification (germline): Uncertain significance (1 of 4 stars; one submission).

Submission:

Women's Health and Genetics/Laboratory Corporation of America, LabCorp
Classification: Uncertain significance. Last evaluated: 2020-03-02. Review status: criteria provided, single submitter. Criteria: LabCorp Variant Classification Summary - May 2015. Collection method: clinical testing. Allele origin: germline.
Comment: Variant summary: MUTYH c.1518+10C>G alters a non-conserved nucleotide located close to a canonical splice site and therefore could affect mRNA splicing, leading to a significantly altered protein sequence. 4/4 computational tools predict no significant impact on normal splicing. However, these predictions have yet to be confirmed by functional studies. The variant was absent in 241488 control chromosomes. The available data on variant occurrences in the general population are insufficient to allow any conclusion about variant significance. To our knowledge, no occurrence of c.1518+10C>G in individuals affected with MUTYH-associated Polyposis and no experimental evidence demonstrating its impact on protein function have been reported. No clinical diagnostic laboratories have submitted clinical-significance assessments for this variant to ClinVar after 2014. Based on the evidence outlined above, the variant was classified as uncertain significance.

NM_001048174.2(MUTYH):c.1434+10C>G

Gene: MUTYH (mutY DNA glycosylase; minus strand). Cytogenetic location: 1p34.1.
Variant type: single nucleotide variant.
Coding change: c.1434+10C>G on transcript NM_001048174.2 (MANE Select); 10 bases into the intron after coding-DNA position 1434, C replaced by G.
Molecular consequence: intron variant.
Genome position (GRCh38, 1-based): chr1:45,330,506, G>C on the plus strand (C>G on the coding strand, the complement: MUTYH is on the minus strand). VCF-style: chr1-45330506-G-C. GRCh37 (hg19) VCF-style: chr1-45796178-G-C.
Other names: c.1089+10C>G (NM_001350651.2, NM_001350650.2); c.1158+10C>G (NM_001293192.2, NM_001293196.2); c.1434+10C>G (NM_001048171.2, NM_001048173.2, NM_001293195.2); c.1479+10C>G (NM_001293190.2); c.1509+10C>G (NM_012222.3); c.1518+10C>G (NM_001128425.2); c.1437+10C>G (NM_001048172.2); c.1467+10C>G (NM_001293191.2).
Identifiers: ClinVar variation 918156 (VCV000918156.1), dbSNP rs1644612688, ClinGen allele CA1139655486.
Genomic context (GRCh38, chr1:45,330,506, plus strand): 5'-AGTTAACTGACTAAAAACCTATGGACTCAGGCCTGGGGAGACACGGTTGGGAGAGGCCTA[G>C]GAGACTTACCATACAGGTCCCTGGCTGTTGGCCCTGATACACACGGAAAACCTAGACAAG-3'